The following is an entry in ClinVar:

NM_018389.5(SLC35C1):c.465GCT[3] (p.Leu157_Ser158insLeu)

Gene: SLC35C1 (solute carrier family 35 member C1; plus strand). Cytogenetic location: 11p11.2.
Variant type: Microsatellite.
Coding change: c.465GCT[3] on transcript NM_018389.5 (MANE Select); three copies in a row of the 3-base unit GCT starting at c.465; the reference has two copies in a row; one copy, 3 bases duplicated.
Protein change: p.Leu157_Ser158insLeu.
Molecular consequence: inframe insertion. On other transcripts: inframe indel (1).
Genome position (GRCh38, 1-based): chr11:45,806,269-45,806,271, GCT duplicated; duplicating any 3 consecutive bases within chr11:45,806,265-45,806,271 gives the same sequence; the position shown is the placement nearest the transcript's 3' end. VCF-style (leftmost placement, unchanged base first): chr11-45806264-G-GTGC. GRCh37 (hg19) VCF-style: chr11-45827815-G-GTGC.
Other names: c.426GCT[3], p.Leu144_Ser145insLeu (NM_001145265.2); c.426_428GCT[3], p.Leu144_Ser145insLeu (NM_001145266.2).
Identifiers: ClinVar variation 1445972 (VCV001445972.4), dbSNP rs2134590716, ClinGen allele CA2580615664.

ClinVar aggregate classification (germline): Uncertain significance (1 of 4 stars; one submission).

Conditions:
Leukocyte adhesion deficiency type II. Also called: CONGENITAL DISORDER OF GLYCOSYLATION, TYPE IIc; CDG IIc; Congenital disorder of glycosylation type 2C; CDG 2C; Leukocyte adhesion deficiency type 2; Rambam Hasharon syndrome. Identifiers: Orphanet 2968, Orphanet 99843, MedGen C0398739, MONDO:0009953, OMIM 266265.

Submission:

Labcorp Genetics (formerly Invitae), Labcorp
Classification: Uncertain significance for Leukocyte adhesion deficiency type II. Last evaluated: 2021-08-30. Review status: criteria provided, single submitter. Criteria: Invitae Variant Classification Sherloc (09022015). Collection method: clinical testing. Allele origin: germline.
Comment: This variant, c.468_470dup, results in the insertion of 1 amino acid(s) to the SLC35C1 protein (p.Leu157dup), but otherwise preserves the integrity of the reading frame. This variant is not present in population databases (ExAC no frequency). This variant has not been reported in the literature in individuals affected with SLC35C1-related conditions. Experimental studies and prediction algorithms are not available or were not evaluated, and the functional significance of this variant is currently unknown. In summary, the available evidence is currently insufficient to determine the role of this variant in disease. Therefore, it has been classified as a Variant of Uncertain Significance.